The following is an entry in ClinVar:

ClinVar aggregate classification (germline): Benign/Likely benign. Review status: criteria provided, multiple submitters, no conflicts (2 of 4 stars). 7 submissions from 7 submitters: Benign (1); Likely benign (6). Last evaluated 2026-01-11.

Conditions:
Birt-Hogg-Dube syndrome 1 (BHD1). Also called: FIBROFOLLICULOMAS WITH TRICHODISCOMAS AND ACROCHORDONS. Identifiers: Orphanet 122, MedGen CN375946, MONDO:0800445, OMIM 135150.
Hereditary cancer-predisposing syndrome. Also called: Hereditary neoplastic syndrome; Neoplastic Syndromes, Hereditary; Tumor predisposition; Hereditary Cancer Syndrome. Identifiers: Orphanet 140162, MedGen C0027672, MeSH D009386, MONDO:0015356.
Birt-Hogg-Dube syndrome. Also called: Birt Hogg Dubé syndrome. Identifiers: Orphanet 122, MedGen C0346010, MONDO:0800444.

Allele frequency attached by ClinVar (database versions not stated): gnomAD exomes 0.00002; ExAC 0.00003; gnomAD 0.00003; TOPMed 0.00003.
gnomAD v4.1: 36 of 1,613,836 alleles (0.0022%); highest among the groups gnomAD compares: Middle Eastern, 0.033%; 1 homozygote.

Submissions (7):

Labcorp Genetics (formerly Invitae), Labcorp
Classification: Likely benign for Birt-Hogg-Dube syndrome. Last evaluated: 2026-01-11. Review status: criteria provided, single submitter. Criteria: Invitae Variant Classification Sherloc (09022015). Collection method: clinical testing. Allele origin: germline.

Center for Genomic Medicine, Rigshospitalet, Copenhagen University Hospital
Classification: Likely benign. Last evaluated: 2025-03-04. Review status: criteria provided, single submitter. Criteria: ACMG Guidelines, 2015. Collection method: clinical testing. Allele origin: germline.

Myriad Genetics, Inc.
Classification: Benign for Birt-Hogg-Dube syndrome 1. Last evaluated: 2024-10-24. Review status: criteria provided, single submitter. Criteria: Myriad Autosomal Dominant, Autosomal Recessive and X-Linked Classification Criteria (2023). Collection method: clinical testing. Allele origin: unknown.
Comment: This variant is considered benign. This variant is a silent/synonymous amino acid change and it is not expected to impact splicing.

Quest Diagnostics Nichols Institute San Juan Capistrano
Classification: Likely benign. Last evaluated: 2022-12-01. Review status: criteria provided, single submitter. Criteria: Quest Diagnostics criteria. Collection method: clinical testing. Allele origin: unknown.

Sema4
Classification: Likely benign for Hereditary cancer-predisposing syndrome. Last evaluated: 2021-12-27. Review status: criteria provided, single submitter. Criteria: Sema4 Curation Guidelines. Collection method: curation. Allele origin: germline.

Ambry Genetics
Classification: Likely benign for Hereditary cancer-predisposing syndrome. Last evaluated: 2019-12-05. Review status: criteria provided, single submitter. Criteria: Ambry Variant Classification Scheme 2023. Collection method: clinical testing. Allele origin: germline.

GeneDx
Classification: Likely benign. Last evaluated: 2019-02-27. Review status: criteria provided, single submitter. Criteria: GeneDx Variant Classification Process June 2021. Collection method: clinical testing. Allele origin: germline. Affected: yes.

NM_144997.7(FLCN):c.1140C>T (p.Asp380=)

Gene: FLCN (folliculin; minus strand). Cytogenetic location: 17p11.2.
Variant type: single nucleotide variant.
Coding change: c.1140C>T on transcript NM_144997.7 (MANE Select); coding-DNA position 1140, C replaced by T.
Protein change: p.Asp380=; no amino-acid change (aspartic acid 380 retained).
Molecular consequence: synonymous variant.
Genome position (GRCh38, 1-based): chr17:17,217,105, G>A on the plus strand (C>T on the coding strand, the complement: FLCN is on the minus strand). VCF-style: chr17-17217105-G-A. GRCh37 (hg19) VCF-style: chr17-17120419-G-A.
Other names: c.1140C>T (LRG_325t1, NM_144997.6); c.1194C>T, p.Asp398= (NM_001353229.2); c.1140C>T, p.Asp380= (NM_001353230.2, NM_001353231.2).
Identifiers: ClinVar variation 460582 (VCV000460582.24), dbSNP rs768454196, ClinGen allele CA8416133.